The following is an entry in ClinVar:

NM_177438.3(DICER1):c.1237A>G (p.Ser413Gly)

Gene: DICER1 (dicer 1, ribonuclease III; minus strand). Cytogenetic location: 14q32.13.
Variant type: single nucleotide variant.
Coding change: c.1237A>G on transcript NM_177438.3 (MANE Select); coding-DNA position 1237, A replaced by G.
Protein change: p.Ser413Gly; replaces serine 413 with glycine.
Molecular consequence: missense variant. On other transcripts: 5 prime UTR variant (1), non-coding transcript variant (6).
Genome position (GRCh38, 1-based): chr14:95,124,335, T>C on the plus strand (A>G on the coding strand, the complement: DICER1 is on the minus strand). VCF-style: chr14-95124335-T-C. GRCh37 (hg19) VCF-style: chr14-95590672-T-C.
Other names: c.1237A>G, p.Ser413Gly (NM_001195573.1, NM_001271282.3, NM_001291628.2 and 15 more transcripts); c.955A>G, p.Ser319Gly (NM_001395686.1); c.832A>G, p.Ser278Gly (NM_001395687.1, NM_001395688.1, NM_001395689.1 and 3 more transcripts); c.670A>G, p.Ser224Gly (NM_001395691.1); c.-332A>G (NM_001395697.1); short protein forms S319G, S413G, S224G, S278G.
Identifiers: ClinVar variation 1757152 (VCV001757152.2), dbSNP rs1555374678, ClinGen allele CA390886564.

ClinVar aggregate classification (germline): Uncertain significance (1 of 4 stars; one submission).

Conditions:
Hereditary cancer-predisposing syndrome. Also called: Neoplastic Syndromes, Hereditary; Tumor predisposition; Hereditary Cancer Syndrome; Hereditary neoplastic syndrome. Identifiers: Orphanet 140162, MedGen C0027672, MeSH D009386, MONDO:0015356.

Submission:

Ambry Genetics
Classification: Uncertain significance for Hereditary cancer-predisposing syndrome. Last evaluated: 2022-03-25. Review status: criteria provided, single submitter. Criteria: Ambry Variant Classification Scheme 2023. Collection method: clinical testing. Allele origin: germline.
Comment: The p.S413G variant (also known as c.1237A>G), located in coding exon 7 of the DICER1 gene, results from an A to G substitution at nucleotide position 1237. The serine at codon 413 is replaced by glycine, an amino acid with similar properties. This amino acid position is highly conserved in available vertebrate species. In addition, the in silico prediction for this alteration is inconclusive. Since supporting evidence is limited at this time, the clinical significance of this alteration remains unclear.